The following is an entry in ClinVar:

GRCh38/hg38 1q21.1-21.2(chr1:146987841-148444397)x1

Genes: ACP6 (acid phosphatase 6, lysophosphatidic; minus strand), BCL9 (BCL9 transcription coactivator; plus strand), LINC00624 (long independently transcribed non-coding RNA 624; minus strand), CHD1L (chromodomain helicase DNA binding protein 1 like; plus strand), FMO5 (flavin containing dimethylaniline monoxygenase 5; minus strand) and 53 more. Cytogenetic location: 1q21.1-21.2.
Variant type: copy number loss.
Change: copy number 1 (one copy instead of two) of chr1:146,987,841-148,444,397 (1.46 Mb, GRCh38 coordinates, 1-based), cytogenetic band 1q21.1-21.2.
Identifiers: ClinVar variation 58510 (VCV000058510.2).

ClinVar aggregate classification (germline): Pathogenic (1 of 4 stars; one submission).

Submission:

ISCA Site 6
Classification: Pathogenic. Last evaluated: 2011-08-12. Review status: criteria provided, single submitter. Criteria: Kaminsky et al. (Genet Med. 2011). Collection method: clinical testing. Allele origin: unknown. Affected: yes. Observed: 1 variant allele.
Comment: Copy number variation identified through the course of routine clinical cytogenomic testing in postnatal populations. Clinical assertions have been curated as described in Kaminsky et al. 2011.